The following is an entry in ClinVar:

NC_000001.10:g.(?_12052592)_(12071622_?)dup

Gene: MFN2 (mitofusin 2; plus strand). Cytogenetic location: 1p36.22.
Variant type: Duplication.
Identifiers: ClinVar variation 3247856 (VCV003247856.1).

ClinVar aggregate classification (germline): Uncertain significance (1 of 4 stars; one submission).

Conditions:
Charcot-Marie-Tooth disease type 2. Also called: Charcot-Marie-Tooth type 2. Identifiers: Orphanet 64746, MedGen C0270914, MONDO:0018993.

Submission:

Labcorp Genetics (formerly Invitae), Labcorp
Classification: Uncertain significance for Charcot-Marie-Tooth disease type 2. Last evaluated: 2023-09-06. Review status: criteria provided, single submitter. Criteria: Invitae Variant Classification Sherloc (09022015). Collection method: clinical testing. Allele origin: unknown.
Comment: In summary, the available evidence is currently insufficient to determine the role of this variant in disease. Therefore, it has been classified as a Variant of Uncertain Significance. This variant has not been reported in the literature in individuals affected with MFN2-related conditions. This variant results in a copy number gain of the genomic region encompassing exon(s) 4-19 of the MFN2 gene. This region includes the termination codon of the gene. This copy number gain extends beyond the assayed region for this gene and therefore may encompass additional genes. As the precise location of this event is unknown, it may be in tandem or it may be located elsewhere in the genome.